The following is an entry in ClinVar:

ClinVar aggregate classification (germline): Benign/Likely benign. Review status: criteria provided, multiple submitters, no conflicts (2 of 4 stars). 2 submissions from 2 submitters: Benign (1); Likely benign (1). Last evaluated 2018-12-24.

Conditions:
Idiopathic basal ganglia calcification 1 (PFBC1A). Also called: Familial Idiopathic Basal Ganglia Calcification 2; Familial Idiopathic Basal Ganglia Calcification 3; Primary Familial Brain Calcification; PRIMARY FAMILIAL BRAIN CALCIFICATION 1A, AUTOSOMAL DOMINANT; Fahr's syndrome; Cerebral calcification nonarteriosclerotic idiopathic adult-onset. Identifiers: Orphanet 1980, MedGen C4551624, MONDO:0024538, OMIM 213600.

Allele frequency attached by ClinVar (database versions not stated): 1000 Genomes Project 0.00659; 1000 Genomes Project 30x 0.00750; TOPMed 0.00619; gnomAD 0.00586 and 0.00560; gnomAD exomes 0.00070.
gnomAD v4.1: 1,594 of 1,174,758 alleles (0.14%); highest among the groups gnomAD compares: African/African-American, 2%; 15 homozygotes.

Submissions (2):

GeneDx
Classification: Likely benign. Last evaluated: 2018-12-24. Review status: criteria provided, single submitter. Criteria: GeneDx Variant Classification Process June 2021. Collection method: clinical testing. Allele origin: germline. Affected: yes.

Illumina Laboratory Services, Illumina
Classification: Benign for Idiopathic basal ganglia calcification 1. Last evaluated: 2018-01-13. Review status: criteria provided, single submitter. Criteria: ICSL Variant Classification Criteria 13 December 2019. Collection method: clinical testing. Allele origin: germline.
Comment: This variant was observed in the ICSL laboratory as part of a predisposition screen in an ostensibly healthy population. It had not been previously curated by ICSL or reported in the Human Gene Mutation Database (HGMD: prior to June 1st, 2018), and was therefore a candidate for classification through an automated scoring system. Utilizing variant allele frequency, disease prevalence and penetrance estimates, and inheritance mode, an automated score was calculated to assess if this variant is too frequent to cause the disease. Based on the score and internal cut-off values, a variant classified as benign is not then subjected to further curation. The score for this variant resulted in a classification of benign for this disease.

NM_001257180.2(SLC20A2):c.*113A>T

Gene: SLC20A2 (solute carrier family 20 member 2; minus strand). Cytogenetic location: 8p11.21.
Variant type: single nucleotide variant.
Coding change: c.*113A>T on transcript NM_001257180.2 (MANE Select); 113 bases downstream of the stop codon, A replaced by T.
Molecular consequence: 3 prime UTR variant.
Genome position (GRCh38, 1-based): chr8:42,417,690, T>A on the plus strand (A>T on the coding strand, the complement: SLC20A2 is on the minus strand). VCF-style: chr8-42417690-T-A. GRCh37 (hg19) VCF-style: chr8-42275208-T-A.
Other names: c.*113A>T (NM_001257181.2, NM_006749.5).
Identifiers: ClinVar variation 363065 (VCV000363065.7), dbSNP rs115989387, ClinGen allele CA10631087.